The following is an entry in ClinVar:

ClinVar aggregate classification (germline): Uncertain significance (1 of 4 stars; one submission).

Submission:

Women's Health and Genetics/Laboratory Corporation of America, LabCorp
Classification: Uncertain significance. Last evaluated: 2025-06-19. Review status: criteria provided, single submitter. Criteria: LabCorp Variant Classification Summary - May 2015. Collection method: clinical testing. Allele origin: germline.
Comment: Variant summary: PKD1 c.8548T>C (p.Ser2850Pro) results in a non-conservative amino acid change in the encoded protein sequence. Algorithms developed to predict the effect of missense changes on protein structure and function are either unavailable or do not agree on the potential impact of this missense change. The variant was absent in 240160 control chromosomes (gnomAD). c.8548T>C has been observed in individuals affected with Polycystic Kidney Disease 1 (e.g., Hogan_2015, Dong_2020). These data indicate that the variant may be associated with disease. To our knowledge, no experimental evidence demonstrating an impact on protein function has been reported. The following publications have been ascertained in the context of this evaluation (PMID: 32970388, 26823553, 25475747). No submitters have cited clinical-significance assessments for this variant to ClinVar. Based on the evidence outlined above, the variant was classified as VUS-possibly pathogenic.

Literature cited by the submitters: PubMed 25475747; PubMed 26823553; PubMed 32970388.

NM_001009944.3(PKD1):c.8548T>C (p.Ser2850Pro)

Gene: PKD1 (polycystin 1, transient receptor potential channel interacting; minus strand). Cytogenetic location: 16p13.3.
Variant type: single nucleotide variant.
Coding change: c.8548T>C on transcript NM_001009944.3 (MANE Select); coding-DNA position 8548, T replaced by C.
Protein change: p.Ser2850Pro; replaces serine 2850 with proline.
Molecular consequence: missense variant.
Genome position (GRCh38, 1-based): chr16:2,103,509, A>G on the plus strand (T>C on the coding strand, the complement: PKD1 is on the minus strand). VCF-style: chr16-2103509-A-G. GRCh37 (hg19) VCF-style: chr16-2153510-A-G.
Other names: c.8548T>C, p.Ser2850Pro (NM_000296.4); short protein forms S2850P.
Identifiers: ClinVar variation 3907000 (VCV003907000.1).